The following is an entry in ClinVar:

NM_015681.6(B9D1):c.493G>T (p.Gly165Cys)

Gene: B9D1 (B9 domain containing 1; minus strand). Cytogenetic location: 17p11.2.
Variant type: single nucleotide variant.
Coding change: c.493G>T on transcript NM_015681.6 (MANE Select); coding-DNA position 493, G replaced by T.
Protein change: p.Gly165Cys; replaces glycine 165 with cysteine.
Molecular consequence: missense variant. On other transcripts: 3 prime UTR variant (2), intron variant (4).
Genome position (GRCh38, 1-based): chr17:19,343,441, C>A on the plus strand (G>T on the coding strand, the complement: B9D1 is on the minus strand). VCF-style: chr17-19343441-C-A. GRCh37 (hg19) VCF-style: chr17-19246754-C-A.
Other names: c.*18G>T (NM_001321214.2); c.*269G>T (NM_001321215.3); c.112+349G>T (NM_001368769.2); c.404+3828G>T (NM_001321219.2); c.472+349G>T (NM_001321218.2, NM_001321217.2); short protein forms G165C.
Identifiers: ClinVar variation 386519 (VCV000386519.2), dbSNP rs1057522520, ClinGen allele CA16608390.

ClinVar aggregate classification (germline): Likely pathogenic (1 of 4 stars; one submission).

Submission:

GeneDx
Classification: Likely pathogenic. Last evaluated: 2018-10-02. Review status: criteria provided, single submitter. Criteria: GeneDx Variant Classification (06012015). Collection method: clinical testing. Allele origin: germline. Affected: yes.
Comment: The G165C variant in the B9D1 gene has not been reported previously as a pathogenic variant, nor as a benign variant, to our knowledge. The G165C variant is not observed in large population cohorts (Lek et al., 2016). The G165C variant is a non-conservative amino acid substitution, which is likely to impact secondary protein structure as these residues differ in polarity, charge, size and/or other properties. In-silico analyses, including protein predictors and evolutionary conservation, support a deleterious effect. We interpret G165C as a likely pathogenic variant.